The following is an entry in ClinVar:

GRCh38/hg38 7p22.1(chr7:4778626-4918396)x1

Genes: AP5Z1 (adaptor related protein complex 5 subunit zeta 1; plus strand), MIR4656 (microRNA 4656; minus strand), MMD2 (monocyte to macrophage differentiation associated 2; minus strand), PAPOLB (poly(A) polymerase beta; minus strand), RADIL (Rap associating with DIL domain; minus strand) and 5 more. Cytogenetic location: 7p22.1.
Variant type: copy number loss.
Change: copy number 1 (one copy instead of two) of chr7:4,778,626-4,918,396 (139.8 kb, GRCh38 coordinates, 1-based), cytogenetic band 7p22.1.
Identifiers: ClinVar variation 4796112 (VCV004796112.1).

ClinVar aggregate classification (germline): Uncertain significance (1 of 4 stars; one submission).

Submission:

Medical Genetic Center, Changzhi Maternal and Child Health Care Hospital
Classification: Uncertain significance. Last evaluated: 2025-12-10. Review status: criteria provided, single submitter. Criteria: ACMG/ClinGen CNV Guidelines, 2019. Collection method: clinical testing. Allele origin: unknown.